The following is an entry in ClinVar:

NM_138615.3(DHX30):c.2637C>T (p.Thr879=)

Gene: DHX30 (DExH-box helicase 30; plus strand). Cytogenetic location: 3p21.31.
Variant type: single nucleotide variant.
Coding change: c.2637C>T on transcript NM_138615.3 (MANE Select); coding-DNA position 2637, C replaced by T.
Protein change: p.Thr879=; no amino-acid change (threonine 879 retained).
Molecular consequence: synonymous variant.
Genome position (GRCh38, 1-based): chr3:47,848,685, C>T. VCF-style: chr3-47848685-C-T. GRCh37 (hg19) VCF-style: chr3-47890175-C-T.
Other names: c.2553C>T, p.Thr851= (NM_001330990.2); c.2520C>T, p.Thr840= (NM_014966.4).
Identifiers: ClinVar variation 3037140 (VCV003037140.2), dbSNP rs776647102, ClinGen allele CA2370187.

ClinVar aggregate classification (germline): Likely benign (0 of 4 stars; one submission).

Conditions:
DHX30-related disorder. Also called: DHX30-related condition.

Allele frequency attached by ClinVar (database versions not stated): gnomAD 0.00001; TOPMed 0.00001; ExAC 0.00002; gnomAD exomes 0.00002.
gnomAD v4.1: 29 of 1,614,030 alleles (0.0018%); highest among the groups gnomAD compares: Admixed American, 0.0067%; no homozygotes.

Submission:

PreventionGenetics, part of Exact Sciences
Classification: Likely benign for DHX30-related condition. Last evaluated: 2019-05-07. Review status: no assertion criteria provided. Collection method: clinical testing. Allele origin: germline.
Comment: This variant is classified as likely benign based on ACMG/AMP sequence variant interpretation guidelines (Richards et al. 2015 PMID: 25741868, with internal and published modifications).